The following is an entry in ClinVar:

ClinVar aggregate classification (germline): Uncertain significance. Review status: criteria provided, multiple submitters, no conflicts (2 of 4 stars). 2 submissions from 2 submitters: Uncertain significance (2). Last evaluated 2025-03-12.

Submissions (2):

Labcorp Genetics (formerly Invitae), Labcorp
Classification: Uncertain significance. Last evaluated: 2025-03-12. Review status: criteria provided, single submitter. Criteria: Invitae Variant Classification Sherloc (09022015). Collection method: clinical testing. Allele origin: germline.
Comment: This sequence change replaces serine, which is neutral and polar, with isoleucine, which is neutral and non-polar, at codon 2397 of the HMCN1 protein (p.Ser2397Ile). This variant is present in population databases (no rsID available, gnomAD 0.006%). This variant has not been reported in the literature in individuals affected with HMCN1-related conditions. ClinVar contains an entry for this variant (Variation ID: 2543221). An algorithm developed to predict the effect of missense changes on protein structure and function (PolyPhen-2) suggests that this variant is likely to be disruptive. In summary, the available evidence is currently insufficient to determine the role of this variant in disease. Therefore, it has been classified as a Variant of Uncertain Significance.

Ambry Genetics
Classification: Uncertain significance. Last evaluated: 2023-05-03. Review status: criteria provided, single submitter. Criteria: Ambry Variant Classification Scheme 2023. Collection method: clinical testing. Allele origin: germline.

NM_031935.3(HMCN1):c.7190G>T (p.Ser2397Ile)

Gene: HMCN1 (hemicentin 1; plus strand). Cytogenetic location: 1q31.1.
Variant type: single nucleotide variant.
Coding change: c.7190G>T on transcript NM_031935.3 (MANE Select); coding-DNA position 7190, G replaced by T.
Protein change: p.Ser2397Ile; replaces serine 2397 with isoleucine.
Molecular consequence: missense variant.
Genome position (GRCh38, 1-based): chr1:186,057,279, G>T. VCF-style: chr1-186057279-G-T. GRCh37 (hg19) VCF-style: chr1-186026411-G-T.
Other names: short protein forms S2397I.
Identifiers: ClinVar variation 2543221 (VCV002543221.3), dbSNP rs1245048476, ClinGen allele CA343903501.